The following is an entry in ClinVar:

ClinVar aggregate classification (germline): Uncertain significance (1 of 4 stars; one submission).

Submission:

GeneDx
Classification: Uncertain significance. Last evaluated: 2025-08-30. Review status: criteria provided, single submitter. Criteria: GeneDx Variant Classification Process June 2021. Collection method: clinical testing. Allele origin: germline. Affected: yes.
Comment: Not observed at significant frequency in large population cohorts (gnomAD); In silico analysis supports that this missense variant has a deleterious effect on protein structure/function; Has not been previously published as pathogenic or benign to our knowledge

NM_007144.3(PCGF2):c.914C>G (p.Thr305Arg)

Genes: CISD3 (CDGSH iron sulfur domain 3; plus strand), PCGF2 (polycomb group ring finger 2; minus strand). Cytogenetic location: 17q12.
Variant type: single nucleotide variant.
Coding change: c.914C>G on transcript NM_007144.3 (MANE Select); coding-DNA position 914, C replaced by G.
Protein change: p.Thr305Arg; replaces threonine 305 with arginine.
Molecular consequence: missense variant. On other transcripts: 3 prime UTR variant (1).
Genome position (GRCh38, 1-based): chr17:38,735,344, G>C on the plus strand (C>G on the coding strand, the complement: PCGF2 is on the minus strand). VCF-style: chr17-38735344-G-C. GRCh37 (hg19) VCF-style: chr17-36891597-G-C.
Other names: c.*1889G>C (NM_001136498.2); c.914C>G, p.Thr305Arg (NM_001369614.1, NM_001369615.1); short protein forms T305R.
Identifiers: ClinVar variation 4812910 (VCV004812910.1).